The following is an entry in ClinVar:

ClinVar aggregate classification (germline): Likely benign (1 of 4 stars; one submission).

Conditions:
Catecholaminergic polymorphic ventricular tachycardia (CVPT). Also called: Catecholamine-induced polymorphic ventricular tachycardia. Identifiers: Orphanet 3286, MedGen C5574922, MONDO:0017990.

Submission:

All of Us Research Program, National Institutes of Health
Classification: Likely benign for Catecholaminergic polymorphic ventricular tachycardia. Last evaluated: 2023-11-30. Review status: criteria provided, single submitter. Criteria: ACMG Guidelines, 2015. Collection method: clinical testing. Allele origin: germline. Inheritance: Autosomal dominant inheritance. Observed: 2 variant alleles, 2 heterozygotes.
Comment: This study involves interpretation of variants in research participants for the purpose of population health screening. Participant phenotype was not available at the time of variant classification. Additional details can be found in publication PMID: 35346344, PMCID: PMC8962531

NM_001035.3(RYR2):c.1002C>G (p.Ser334=)

Gene: RYR2 (ryanodine receptor 2; plus strand). Cytogenetic location: 1q43.
Variant type: single nucleotide variant.
Coding change: c.1002C>G on transcript NM_001035.3 (MANE Select); coding-DNA position 1002, C replaced by G.
Protein change: p.Ser334=; no amino-acid change (serine 334 retained).
Molecular consequence: synonymous variant.
Genome position (GRCh38, 1-based): chr1:237,423,245, C>G. VCF-style: chr1-237423245-C-G. GRCh37 (hg19) VCF-style: chr1-237586545-C-G.
Identifiers: ClinVar variation 3069364 (VCV003069364.1), dbSNP rs2528091758, ClinGen allele CA423811061.